The following is an entry in ClinVar:

NM_022051.3(EGLN1):c.193C>T (p.Leu65Phe)

Gene: EGLN1 (egl-9 family hypoxia inducible factor 1; minus strand). Cytogenetic location: 1q42.2.
Variant type: single nucleotide variant.
Coding change: c.193C>T on transcript NM_022051.3 (MANE Select); coding-DNA position 193, C replaced by T.
Protein change: p.Leu65Phe; replaces leucine 65 with phenylalanine.
Molecular consequence: missense variant.
Genome position (GRCh38, 1-based): chr1:231,421,696, G>A on the plus strand (C>T on the coding strand, the complement: EGLN1 is on the minus strand). VCF-style: chr1-231421696-G-A. GRCh37 (hg19) VCF-style: chr1-231557442-G-A.
Other names: c.193C>T, p.Leu65Phe (NM_001377260.1, NM_001377261.1); short protein forms L65F.
Identifiers: ClinVar variation 1783031 (VCV001783031.4), dbSNP rs1656623177, ClinGen allele CA345238678.

ClinVar aggregate classification (germline): Uncertain significance. Review status: criteria provided, multiple submitters, no conflicts (2 of 4 stars). 2 submissions from 2 submitters: Uncertain significance (2). Last evaluated 2024-03-15.

Conditions:
Erythrocytosis, familial, 3 (ECYT3). Identifiers: Orphanet 247511, MedGen C1853286, MONDO:0012353, OMIM 609820.

gnomAD v4.1: 4 of 1,513,120 alleles (0.00026%); highest among the groups gnomAD compares: South Asian, 0.0024%; no homozygotes.

Submissions (2):

Labcorp Genetics (formerly Invitae), Labcorp
Classification: Uncertain significance for Erythrocytosis, familial, 3. Last evaluated: 2024-03-15. Review status: criteria provided, single submitter. Criteria: Invitae Variant Classification Sherloc (09022015). Collection method: clinical testing. Allele origin: germline.
Comment: This sequence change replaces leucine, which is neutral and non-polar, with phenylalanine, which is neutral and non-polar, at codon 65 of the EGLN1 protein (p.Leu65Phe). This variant is not present in population databases (gnomAD no frequency). This variant has not been reported in the literature in individuals affected with EGLN1-related conditions. ClinVar contains an entry for this variant (Variation ID: 1783031). An algorithm developed to predict the effect of missense changes on protein structure and function (PolyPhen-2) suggests that this variant is likely to be disruptive. In summary, the available evidence is currently insufficient to determine the role of this variant in disease. Therefore, it has been classified as a Variant of Uncertain Significance.

Ambry Genetics
Classification: Uncertain significance. Last evaluated: 2024-01-27. Review status: criteria provided, single submitter. Criteria: Ambry Variant Classification Scheme 2023. Collection method: clinical testing. Allele origin: germline.
Comment: The p.L65F variant (also known as c.193C>T), located in coding exon 1 of the EGLN1 gene, results from a C to T substitution at nucleotide position 193. The leucine at codon 65 is replaced by phenylalanine, an amino acid with highly similar properties. This amino acid position is conserved. In addition, this alteration is predicted to be tolerated by in silico analysis. Since supporting evidence is limited at this time, the clinical significance of this alteration remains unclear.